The following is an entry in ClinVar:

ClinVar aggregate classification (germline): Uncertain significance (1 of 4 stars; one submission).

Allele frequency attached by ClinVar (database versions not stated): ExAC 0.00001; gnomAD 0.00001.
gnomAD v4.1: 5 of 1,430,856 alleles (0.00035%); highest among the groups gnomAD compares: Admixed American, 0.0067%; no homozygotes.

Submission:

Labcorp Genetics (formerly Invitae), Labcorp
Classification: Uncertain significance. Last evaluated: 2023-04-30. Review status: criteria provided, single submitter. Criteria: Invitae Variant Classification Sherloc (09022015). Collection method: clinical testing. Allele origin: germline.
Comment: This variant has not been reported in the literature in individuals affected with POLR3A-related conditions. ClinVar contains an entry for this variant (Variation ID: 2421289). Algorithms developed to predict the effect of sequence changes on RNA splicing suggest that this variant may disrupt the consensus splice site. In summary, the available evidence is currently insufficient to determine the role of this variant in disease. Therefore, it has been classified as a Variant of Uncertain Significance. This sequence change falls in intron 17 of the POLR3A gene. It does not directly change the encoded amino acid sequence of the POLR3A protein. This variant is present in population databases (rs770834190, gnomAD 0.003%).

NM_007055.4(POLR3A):c.2360-6C>A

Gene: POLR3A (RNA polymerase III subunit A; minus strand). Cytogenetic location: 10q22.3.
Variant type: single nucleotide variant.
Coding change: c.2360-6C>A on transcript NM_007055.4 (MANE Select); 6 bases into the intron before coding-DNA position 2360, C replaced by A.
Molecular consequence: intron variant.
Genome position (GRCh38, 1-based): chr10:78,001,100, G>T on the plus strand (C>A on the coding strand, the complement: POLR3A is on the minus strand). VCF-style: chr10-78001100-G-T. GRCh37 (hg19) VCF-style: chr10-79760858-G-T.
Identifiers: ClinVar variation 2421289 (VCV002421289.5), dbSNP rs770834190, ClinGen allele CA5571133.
Genomic context (GRCh38, chr10:78,001,100, plus strand): 5'-CTGATGGCCTGCTGTCCCACACAGGCAATCATCTGTGATATGTTAATGAAGGAACCTGGG[G>T]ACATGGACCAGAAATGTAACATTCATTTACCAAAATAACACTAATTGAAGTGCATGCAGA-3'